The following is an entry in ClinVar:

NM_006939.4(SOS2):c.1935-20C>G

Gene: SOS2 (SOS Ras/Rho guanine nucleotide exchange factor 2; minus strand). Cytogenetic location: 14q21.3.
Variant type: single nucleotide variant.
Coding change: c.1935-20C>G on transcript NM_006939.4 (MANE Select); 20 bases into the intron before coding-DNA position 1935, C replaced by G.
Molecular consequence: intron variant.
Genome position (GRCh38, 1-based): chr14:50,157,141, G>C on the plus strand (C>G on the coding strand, the complement: SOS2 is on the minus strand). VCF-style: chr14-50157141-G-C. GRCh37 (hg19) VCF-style: chr14-50623859-G-C.
Identifiers: ClinVar variation 987786 (VCV000987786.12), dbSNP rs376985307, ClinGen allele CA7177195.

ClinVar aggregate classification (germline): Benign/Likely benign. Review status: criteria provided, multiple submitters, no conflicts (2 of 4 stars). 4 submissions from 4 submitters: Benign (3); Likely benign (1). Last evaluated 2025-09-16.

Conditions:
Noonan syndrome 9 (NS9). Identifiers: Orphanet 648, MedGen C4225282, MONDO:0014691, OMIM 616559.

Allele frequency attached by ClinVar (database versions not stated): ESP Exome Variant Server 0.00008; ExAC 0.00009; TOPMed 0.00010.
gnomAD v4.1: 143 of 1,605,158 alleles (0.0089%); highest among the groups gnomAD compares: Middle Eastern, 0.05%; no homozygotes.

Submissions (4):

Labcorp Genetics (formerly Invitae), Labcorp
Classification: Benign for Noonan syndrome 9. Last evaluated: 2025-09-16. Review status: criteria provided, single submitter. Criteria: Invitae Variant Classification Sherloc (09022015). Collection method: clinical testing. Allele origin: germline.

Blueprint Genetics
Classification: Likely benign. Last evaluated: 2024-11-22. Review status: criteria provided, single submitter. Criteria: ACMG Guidelines, 2015. Collection method: clinical testing. Allele origin: germline.

Women's Health and Genetics/Laboratory Corporation of America, LabCorp
Classification: Benign. Last evaluated: 2020-11-16. Review status: criteria provided, single submitter. Criteria: LabCorp Variant Classification Summary - May 2015. Collection method: clinical testing. Allele origin: germline.
Comment: Variant summary: SOS2 c.1935-20C>G alters a non-conserved nucleotide located close to a canonical splice site and therefore could affect mRNA splicing, leading to a significantly altered protein sequence. 4/4 computational tools predict no significant impact on normal splicing. However, these predictions have yet to be confirmed by functional studies. The variant allele was found at a frequency of 0.00013 in 246162 control chromosomes. The observed variant frequency is approximately 54 fold of the estimated maximal expected allele frequency for a pathogenic variant in SOS2 causing Noonan Syndrome phenotype (2.5e-06), strongly suggesting that the variant is benign. To our knowledge, no occurrence of c.1935-20C>G in individuals affected with Noonan Syndrome and no experimental evidence demonstrating its impact on protein function have been reported. No clinical diagnostic laboratories have submitted clinical-significance assessments for this variant to ClinVar after 2014. Based on the evidence outlined above, the variant was classified as benign.

Genome-Nilou Lab
Classification: Benign for Noonan syndrome 9. Review status: criteria provided, single submitter. Criteria: ACMG Guidelines, 2015. Collection method: clinical testing. Allele origin: germline.